The following is an entry in ClinVar:

NM_005739.4(RASGRP1):c.2042T>C (p.Ile681Thr)

Gene: RASGRP1 (RAS guanyl releasing protein 1; minus strand). Cytogenetic location: 15q14.
Variant type: single nucleotide variant.
Coding change: c.2042T>C on transcript NM_005739.4 (MANE Select); coding-DNA position 2042, T replaced by C.
Protein change: p.Ile681Thr; replaces isoleucine 681 with threonine.
Molecular consequence: missense variant. On other transcripts: intron variant (1).
Genome position (GRCh38, 1-based): chr15:38,494,599, A>G on the plus strand (T>C on the coding strand, the complement: RASGRP1 is on the minus strand). VCF-style: chr15-38494599-A-G. GRCh37 (hg19) VCF-style: chr15-38786800-A-G.
Other names: c.1937T>C, p.Ile646Thr (NM_001128602.2); c.1769-3911T>C (NM_001306086.2); short protein forms I646T, I681T.
Identifiers: ClinVar variation 1127206 (VCV001127206.39), dbSNP rs576367702, ClinGen allele CA7470694.

ClinVar aggregate classification (germline): Likely benign. Review status: criteria provided, multiple submitters, no conflicts (2 of 4 stars). 2 submissions from 2 submitters: Likely benign (2). Last evaluated 2025-11-22.

Allele frequency attached by ClinVar (database versions not stated): gnomAD 0.00001 and 0.00009; TOPMed 0.00004; gnomAD exomes 0.00013 and 0.00022; 1000 Genomes Project 0.00040; ExAC 0.00048; 1000 Genomes Project 30x 0.00062.
gnomAD v4.1: 195 of 1,559,814 alleles (0.013%); highest among the groups gnomAD compares: South Asian, 0.18%; 1 homozygote.

Submissions (2):

Labcorp Genetics (formerly Invitae), Labcorp
Classification: Likely benign. Last evaluated: 2025-11-22. Review status: criteria provided, single submitter. Criteria: Invitae Variant Classification Sherloc (09022015). Collection method: clinical testing. Allele origin: germline.

CeGaT Center for Human Genetics Tuebingen
Classification: Likely benign. Last evaluated: 2022-05-01. Review status: criteria provided, single submitter. Criteria: CeGaT Center For Human Genetics Tuebingen Variant Classification Criteria Version 2. Collection method: clinical testing. Allele origin: germline. Affected: yes. Observed: 1 variant allele.
Comment: RASGRP1: BP4